The following is an entry in ClinVar:

NM_001330588.2(TPP2):c.620+3A>G

Gene: TPP2 (tripeptidyl peptidase 2; plus strand). Cytogenetic location: 13q33.1.
Variant type: single nucleotide variant.
Coding change: c.620+3A>G on transcript NM_001330588.2 (MANE Select); 3 bases into the intron after coding-DNA position 620, A replaced by G.
Molecular consequence: intron variant.
Genome position (GRCh38, 1-based): chr13:102,618,849, A>G. VCF-style: chr13-102618849-A-G. GRCh37 (hg19) VCF-style: chr13-103271199-A-G.
Other names: c.620+3A>G (NM_001367947.1, NM_003291.4).
Identifiers: ClinVar variation 2069780 (VCV002069780.1), dbSNP rs374850648, ClinGen allele CA7037555.
Genomic context (GRCh38, chr13:102,618,849, plus strand): 5'-ACAGCGATCCTGGCCCTGTATATGACTGCTTGGTATGGCATGATGGCGAAGTCTGGAGGT[A>G]AACTTCGTGTATTTTATACATCTTCATTTACAAATGTTTTCTTTTCTACTCTGAAAAACA-3'

ClinVar aggregate classification (germline): Uncertain significance (1 of 4 stars; one submission).

Conditions:
Evans syndrome, immunodeficiency, and premature immunosenescence associated with tripeptidyl-peptidase II deficiency. Identifiers: MedGen CN231723. Disease mechanism: loss of function.

Allele frequency attached by ClinVar (database versions not stated): gnomAD exomes 0.00001; ExAC 0.00002; ESP Exome Variant Server 0.00008; gnomAD 0.00009; TOPMed 0.00009.
gnomAD v4.1: 22 of 1,601,342 alleles (0.0014%); highest among the groups gnomAD compares: African/African-American, 0.028%; no homozygotes.

Submission:

Labcorp Genetics (formerly Invitae), Labcorp
Classification: Uncertain significance for Evans syndrome, immunodeficiency, and premature immunosenescence associated with tripeptidyl-peptidase II deficiency. Last evaluated: 2022-05-12. Review status: criteria provided, single submitter. Criteria: Invitae Variant Classification Sherloc (09022015). Collection method: clinical testing. Allele origin: germline.
Comment: This sequence change falls in intron 5 of the TPP2 gene. It does not directly change the encoded amino acid sequence of the TPP2 protein. It affects a nucleotide within the consensus splice site. This variant is present in population databases (rs374850648, gnomAD 0.03%). This variant has not been reported in the literature in individuals affected with TPP2-related conditions. Variants that disrupt the consensus splice site are a relatively common cause of aberrant splicing (PMID: 17576681, 9536098). Algorithms developed to predict the effect of sequence changes on RNA splicing suggest that this variant may disrupt the consensus splice site. In summary, the available evidence is currently insufficient to determine the role of this variant in disease. Therefore, it has been classified as a Variant of Uncertain Significance.

Literature cited by the submitters: PubMed 17576681; PubMed 9536098.